The following is an entry in ClinVar:

ClinVar aggregate classification (germline): Uncertain significance (1 of 4 stars; one submission).

Allele frequency attached by ClinVar (database versions not stated): TOPMed 0.00001.

Submission:

Labcorp Genetics (formerly Invitae), Labcorp
Classification: Uncertain significance. Last evaluated: 2024-10-24. Review status: criteria provided, single submitter. Criteria: Invitae Variant Classification Sherloc (09022015). Collection method: clinical testing. Allele origin: germline.
Comment: This sequence change falls in intron 7 of the PSMA3 gene. It does not directly change the encoded amino acid sequence of the PSMA3 protein. It affects a nucleotide within the consensus splice site. This variant is not present in population databases (gnomAD no frequency). This variant has not been reported in the literature in individuals affected with PSMA3-related conditions. ClinVar contains an entry for this variant (Variation ID: 1368606). Variants that disrupt the consensus splice site are a relatively common cause of aberrant splicing (PMID: 17576681, 9536098). Algorithms developed to predict the effect of sequence changes on RNA splicing suggest that this variant is not likely to affect RNA splicing. In summary, the available evidence is currently insufficient to determine the role of this variant in disease. Therefore, it has been classified as a Variant of Uncertain Significance.

Literature cited by the submitters: PubMed 17576681; PubMed 9536098.

NM_002788.4(PSMA3):c.543+3A>G

Gene: PSMA3 (proteasome 20S subunit alpha 3; plus strand). Cytogenetic location: 14q23.1.
Variant type: single nucleotide variant.
Coding change: c.543+3A>G on transcript NM_002788.4 (MANE Select); 3 bases into the intron after coding-DNA position 543, A replaced by G.
Molecular consequence: intron variant.
Genome position (GRCh38, 1-based): chr14:58,263,773, A>G. VCF-style: chr14-58263773-A-G. GRCh37 (hg19) VCF-style: chr14-58730491-A-G.
Other names: c.522+3A>G (NM_152132.3).
Identifiers: ClinVar variation 1368606 (VCV001368606.3), dbSNP rs1890351595, ClinGen allele CA2139825085.